The following is an entry in ClinVar:

ClinVar aggregate classification (germline): Uncertain significance (1 of 4 stars; one submission).

Conditions:
Usher syndrome type 1 (USH1). Also called: RETINITIS PIGMENTOSA AND CONGENITAL DEAFNESS. Identifiers: Orphanet 231169, Orphanet 886, MedGen C1568247, MONDO:0010168, OMIM 276900.

Submission:

Myriad Genetics, Inc.
Classification: Uncertain significance for Usher syndrome type 1. Last evaluated: 2026-06-11. Review status: criteria provided, single submitter. Criteria: Myriad Autosomal Dominant, Autosomal Recessive and X-Linked Classification Criteria (2023). Collection method: clinical testing. Allele origin: unknown.
Comment: NM_000260.3(MYO7A):c.4682G>C(R1561T) is a missense variant classified as a variant of uncertain significance in the context of MYO7A-related disorders. R1561T has not been observed in cases with relevant disease. Relevant functional assessments of this variant are not available in the literature. R1561T has not been observed in referenced population frequency databases. In summary, there is insufficient evidence to classify NM_000260.3(MYO7A):c.4682G>C(R1561T) as pathogenic or benign. Please note: this variant was assessed in the context of healthy population screening.

NM_000260.4(MYO7A):c.4682G>C (p.Arg1561Thr)

Gene: MYO7A (myosin VIIA; plus strand). Cytogenetic location: 11q13.5.
Variant type: single nucleotide variant.
Coding change: c.4682G>C on transcript NM_000260.4 (MANE Select); coding-DNA position 4682, G replaced by C.
Protein change: p.Arg1561Thr; replaces arginine 1561 with threonine.
Molecular consequence: missense variant. On other transcripts: splice acceptor variant (2).
Genome position (GRCh38, 1-based): chr11:77,199,648, G>C. VCF-style: chr11-77199648-G-C. GRCh37 (hg19) VCF-style: chr11-76910693-G-C.
Other names: c.4536-1G>C (NM_001369365.1); c.4569-1G>C (NM_001127180.2); short protein forms R1561T.
Identifiers: ClinVar variation 5004728 (VCV005004728.1).